The following is an entry in ClinVar:

ClinVar aggregate classification (germline): Uncertain significance (1 of 4 stars; one submission).

Conditions:
Hereditary cancer-predisposing syndrome. Also called: Hereditary Cancer Syndrome; Neoplastic Syndromes, Hereditary; Tumor predisposition; Hereditary neoplastic syndrome. Identifiers: Orphanet 140162, MedGen C0027672, MeSH D009386, MONDO:0015356.

Submission:

Ambry Genetics
Classification: Uncertain significance for Hereditary cancer-predisposing syndrome. Last evaluated: 2026-07-07. Review status: criteria provided, single submitter. Criteria: Ambry Variant Classification Scheme 2023. Collection method: clinical testing. Allele origin: germline.
Comment: The p.S380T variant (also known as c.1138T>A), located in coding exon 10 of the EGFR gene, results from a T to A substitution at nucleotide position 1138. The serine at codon 380 is replaced by threonine, an amino acid with similar properties. This amino acid position is conserved. In addition, this alteration is predicted to be tolerated by in silico analysis. Based on the available evidence, the clinical significance of this variant remains unclear.

NM_005228.5(EGFR):c.1138T>A (p.Ser380Thr)

Genes: EGFR (epidermal growth factor receptor; plus strand), LOC126860048 (P300/CBP strongly-dependent group 1 enhancer GRCh37_chr7:55223847-55225046; plus strand). Cytogenetic location: 7p11.2.
Variant type: single nucleotide variant.
Coding change: c.1138T>A on transcript NM_005228.5 (MANE Select); coding-DNA position 1138, T replaced by A.
Protein change: p.Ser380Thr; replaces serine 380 with threonine.
Molecular consequence: missense variant.
Genome position (GRCh38, 1-based): chr7:55,156,763, T>A. VCF-style: chr7-55156763-T-A. GRCh37 (hg19) VCF-style: chr7-55224456-T-A.
Other names: c.1003T>A, p.Ser335Thr (NM_001346897.2, NM_001346899.2); c.1138T>A, p.Ser380Thr (NM_001346898.2, NM_201282.2, NM_201283.2 and 1 more transcripts); c.979T>A, p.Ser327Thr (NM_001346900.2); c.337T>A, p.Ser113Thr (NM_001346941.2); short protein forms S327T, S380T, S335T, S113T.
Identifiers: ClinVar variation 5035784 (VCV005035784.1).